The following is an entry in ClinVar:

ClinVar aggregate classification (germline): Uncertain significance (1 of 4 stars; one submission).

Submission:

Labcorp Genetics (formerly Invitae), Labcorp
Classification: Uncertain significance. Last evaluated: 2025-09-20. Review status: criteria provided, single submitter. Criteria: Invitae Variant Classification Sherloc (09022015). Collection method: clinical testing. Allele origin: germline.
Comment: This sequence change replaces alanine, which is neutral and non-polar, with aspartic acid, which is acidic and polar, at codon 186 of the DNM1L protein (p.Ala186Asp). This variant is not present in population databases (gnomAD no frequency). This variant has not been reported in the literature in individuals affected with DNM1L-related conditions. An algorithm developed to predict the effect of missense changes on protein structure and function (PolyPhen-2) suggests that this variant is likely to be disruptive. In summary, the available evidence is currently insufficient to determine the role of this variant in disease. Therefore, it has been classified as a Variant of Uncertain Significance.

NM_012062.5(DNM1L):c.557C>A (p.Ala186Asp)

Gene: DNM1L (dynamin 1 like; plus strand). Cytogenetic location: 12p11.21.
Variant type: single nucleotide variant.
Coding change: c.557C>A on transcript NM_012062.5 (MANE Select); coding-DNA position 557, C replaced by A.
Protein change: p.Ala186Asp; replaces alanine 186 with aspartic acid.
Molecular consequence: missense variant. On other transcripts: intron variant (1).
Genome position (GRCh38, 1-based): chr12:32,713,309, C>A. VCF-style: chr12-32713309-C-A. GRCh37 (hg19) VCF-style: chr12-32866243-C-A.
Other names: c.557C>A, p.Ala186Asp (NM_001278463.2, NM_005690.5, NM_012063.4); c.596C>A, p.Ala199Asp (NM_001278464.2, NM_001278465.2, NM_001330380.2); c.131+5896C>A (NM_001278466.2); short protein forms A199D, A186D.
Identifiers: ClinVar variation 4711327 (VCV004711327.1).